The following is an entry in ClinVar:

NM_130839.5(UBE3A):c.1052A>G (p.Asn351Ser)

Genes: SNHG14 (small nucleolar RNA host gene 14; plus strand), UBE3A (ubiquitin protein ligase E3A; minus strand). Cytogenetic location: 15q11.2.
Variant type: single nucleotide variant.
Coding change: c.1052A>G on transcript NM_130839.5 (MANE Select); coding-DNA position 1052, A replaced by G.
Protein change: p.Asn351Ser; replaces asparagine 351 with serine.
Molecular consequence: missense variant. On other transcripts: non-coding transcript variant (1), intron variant (2).
Genome position (GRCh38, 1-based): chr15:25,371,122, T>C on the plus strand (A>G on the coding strand, the complement: UBE3A is on the minus strand). VCF-style: chr15-25371122-T-C. GRCh37 (hg19) VCF-style: chr15-25616269-T-C.
Other names: c.1061A>G, p.Asn354Ser (NM_000462.5); c.1052A>G, p.Asn351Ser (NM_001354505.1, NM_001354538.2, NM_001354545.2); c.992A>G, p.Asn331Ser (NM_001354506.2, NM_001354507.2, NM_001354508.2 and 17 more transcripts); c.875A>G, p.Asn292Ser (NM_001354546.2); c.301+4343A>G (NM_001354551.2); c.361+4343A>G (NM_001354550.2); short protein forms N331S, N292S, N351S, N354S.
Identifiers: ClinVar variation 458668 (VCV000458668.32), dbSNP rs747932207, ClinGen allele CA7435568.

ClinVar aggregate classification (germline): Uncertain significance. Review status: criteria provided, multiple submitters, no conflicts (2 of 4 stars). 3 submissions from 3 submitters: Uncertain significance (3). Last evaluated 2024-10-24.

Conditions:
Angelman syndrome (AS). Also called: HAPPY PUPPET SYNDROME. Identifiers: Orphanet 72, MedGen C0162635, MONDO:0007113, OMIM 105830. Disease mechanism: loss of function. Inheritance: AS is caused by disruption of maternally imprinted UBE3A located within the 15q11.2-q13 Angelman syndrome/Prader-Willi syndrome (AS/PWS) region., imprinting disorder.

Allele frequency attached by ClinVar (database versions not stated): ExAC 0.00002; gnomAD exomes 0.00003 and 0.00004; gnomAD 0.00004 and 0.00005; TOPMed 0.00004.

Submissions (3):

Labcorp Genetics (formerly Invitae), Labcorp
Classification: Uncertain significance for Angelman syndrome. Last evaluated: 2024-10-24. Review status: criteria provided, single submitter. Criteria: Invitae Variant Classification Sherloc (09022015). Collection method: clinical testing. Allele origin: germline.
Comment: This sequence change replaces asparagine, which is neutral and polar, with serine, which is neutral and polar, at codon 331 of the UBE3A protein (p.Asn331Ser). This variant is present in population databases (rs747932207, gnomAD 0.008%). This variant has not been reported in the literature in individuals affected with UBE3A-related conditions. ClinVar contains an entry for this variant (Variation ID: 458668). Invitae Evidence Modeling of protein sequence and biophysical properties (such as structural, functional, and spatial information, amino acid conservation, physicochemical variation, residue mobility, and thermodynamic stability) indicates that this missense variant is not expected to disrupt UBE3A protein function with a negative predictive value of 80%. In summary, the available evidence is currently insufficient to determine the role of this variant in disease. Therefore, it has been classified as a Variant of Uncertain Significance.

GeneDx
Classification: Uncertain significance. Last evaluated: 2023-07-04. Review status: criteria provided, single submitter. Criteria: GeneDx Variant Classification Process June 2021. Collection method: clinical testing. Allele origin: germline. Affected: yes.
Comment: In silico analysis supports that this missense variant does not alter protein structure/function; Has not been previously published as pathogenic or benign germline variant to our knowledge; This variant is associated with the following publications: (PMID: 27397505)

CeGaT Center for Human Genetics Tuebingen
Classification: Uncertain significance. Last evaluated: 2022-08-01. Review status: criteria provided, single submitter. Criteria: CeGaT Center For Human Genetics Tuebingen Variant Classification Criteria Version 2. Collection method: clinical testing. Allele origin: germline. Affected: yes. Observed: 1 variant allele.
Comment: UBE3A: PP2, BP4